The following is an entry in ClinVar:

ClinVar aggregate classification (germline): Uncertain significance (1 of 4 stars; one submission).

gnomAD v4.1: 5 of 1,613,556 alleles (0.00031%); highest among the groups gnomAD compares: Non-Finnish European, 0.00042%; no homozygotes.

Submission:

GeneDx
Classification: Uncertain significance. Last evaluated: 2024-11-09. Review status: criteria provided, single submitter. Criteria: GeneDx Variant Classification Process June 2021. Collection method: clinical testing. Allele origin: germline. Affected: yes.
Comment: Not observed at significant frequency in large population cohorts (gnomAD); In silico analysis indicates that this missense variant does not alter protein structure/function; Has not been previously published as pathogenic or benign to our knowledge

NM_004369.4(COL6A3):c.8744C>A (p.Ala2915Glu)

Gene: COL6A3 (collagen type VI alpha 3 chain; minus strand). Cytogenetic location: 2q37.3.
Variant type: single nucleotide variant.
Coding change: c.8744C>A on transcript NM_004369.4 (MANE Select); coding-DNA position 8744, C replaced by A.
Protein change: p.Ala2915Glu; replaces alanine 2915 with glutamic acid.
Molecular consequence: missense variant.
Genome position (GRCh38, 1-based): chr2:237,336,356, G>T on the plus strand (C>A on the coding strand, the complement: COL6A3 is on the minus strand). VCF-style: chr2-237336356-G-T. GRCh37 (hg19) VCF-style: chr2-238244999-G-T.
Other names: c.6923C>A, p.Ala2308Glu (NM_057166.5); c.8126C>A, p.Ala2709Glu (NM_057167.4); short protein forms A2308E, A2709E, A2915E.
Identifiers: ClinVar variation 3898791 (VCV003898791.1).
Genomic context (GRCh38, chr2:237,336,356, plus strand): 5'-GCCACTGGGGGTCTAACAGTGGCCATCTTTGTGGCCACAGGCTTGGCAGCCACAGGTTTC[G>T]CAGGGGCCGGCTTTGCAGCGGCTGGCTTCACAGATGGCTGATTTATAATAGTCACAGGCT-3'
Protein context (NP_004360.2, residues 2905-2925): VKPAAAKPAP[Ala2915Glu]KPVAAKPVAT